The following is an entry in ClinVar:

ClinVar aggregate classification (germline): Uncertain significance. Review status: criteria provided, multiple submitters, no conflicts (2 of 4 stars). 2 submissions from 2 submitters: Uncertain significance (2). Last evaluated 2025-10-17.

Allele frequency attached by ClinVar (database versions not stated): gnomAD 0.00001; gnomAD exomes 0.00001; TOPMed 0.00001.
gnomAD v4.1: 14 of 1,611,968 alleles (0.00087%); highest among the groups gnomAD compares: Non-Finnish European, 0.0012%; no homozygotes.

Submissions (2):

Labcorp Genetics (formerly Invitae), Labcorp
Classification: Uncertain significance. Last evaluated: 2025-10-17. Review status: criteria provided, single submitter. Criteria: Invitae Variant Classification Sherloc (09022015). Collection method: clinical testing. Allele origin: germline.
Comment: This sequence change replaces glycine, which is neutral and non-polar, with serine, which is neutral and polar, at codon 370 of the FGFR3 protein (p.Gly370Ser). This variant is present in population databases (no rsID available, gnomAD 0.002%). This variant has not been reported in the literature in individuals affected with FGFR3-related conditions. ClinVar contains an entry for this variant (Variation ID: 2572226). An algorithm developed to predict the effect of missense changes on protein structure and function outputs the following: PolyPhen-2: "Benign". The serine amino acid residue is found in multiple mammalian species, which suggests that this missense change does not adversely affect protein function. This variant disrupts the p.Gly370 amino acid residue in FGFR3. Other variant(s) that disrupt this residue have been determined to be pathogenic (PMID: 8845844, 9790257, 12009017, 24863959, 25614871). This suggests that this residue is clinically significant, and that variants that disrupt this residue are likely to be disease-causing. In summary, the available evidence is currently insufficient to determine the role of this variant in disease. Therefore, it has been classified as a Variant of Uncertain Significance.

Greenwood Genetic Center Diagnostic Laboratories, Greenwood Genetic Center
Classification: Uncertain significance. Last evaluated: 2023-05-17. Review status: criteria provided, single submitter. Criteria: ACMG Guidelines, 2015. Collection method: clinical testing. Allele origin: germline. Affected: yes.
Comment: PM5

Literature cited by the submitters: PubMed 8845844 (cited by Labcorp Genetics (formerly Invitae), Labcorp); PubMed 9790257 (cited by Labcorp Genetics (formerly Invitae), Labcorp); PubMed 12009017 (cited by Labcorp Genetics (formerly Invitae), Labcorp); PubMed 24863959 (cited by Labcorp Genetics (formerly Invitae), Labcorp); PubMed 25614871 (cited by Labcorp Genetics (formerly Invitae), Labcorp).

NM_000142.5(FGFR3):c.1108G>A (p.Gly370Ser)

Gene: FGFR3 (fibroblast growth factor receptor 3; plus strand). Cytogenetic location: 4p16.3.
Variant type: single nucleotide variant.
Coding change: c.1108G>A on transcript NM_000142.5 (MANE Select); coding-DNA position 1108, G replaced by A.
Protein change: p.Gly370Ser; replaces glycine 370 with serine.
Molecular consequence: missense variant. On other transcripts: non-coding transcript variant (1), intron variant (1).
Genome position (GRCh38, 1-based): chr4:1,804,362, G>A. VCF-style: chr4-1804362-G-A. GRCh37 (hg19) VCF-style: chr4-1806089-G-A.
Other names: c.1114G>A, p.Gly372Ser (NM_001163213.2); c.1108G>A, p.Gly370Ser (NM_001354809.2, NM_001354810.2); c.931-462G>A (NM_022965.4); short protein forms G370S, G372S.
Identifiers: ClinVar variation 2572226 (VCV002572226.2), dbSNP rs121913479, ClinGen allele CA355978901.